The following is an entry in ClinVar:

ClinVar aggregate classification (germline): Uncertain significance (1 of 4 stars; one submission).

Allele frequency attached by ClinVar (database versions not stated): gnomAD exomes 0.00001 and 0.00004; TOPMed 0.00007; gnomAD 0.00011; 1000 Genomes Project 30x 0.00016; ExAC 0.00019; 1000 Genomes Project 0.00020; ESP Exome Variant Server 0.00033.
gnomAD v4.1: 33 of 1,591,956 alleles (0.0021%); highest among the groups gnomAD compares: African/African-American, 0.033%; no homozygotes.

Submission:

Labcorp Genetics (formerly Invitae), Labcorp
Classification: Uncertain significance. Last evaluated: 2022-08-11. Review status: criteria provided, single submitter. Criteria: Invitae Variant Classification Sherloc (09022015). Collection method: clinical testing. Allele origin: germline.
Comment: This sequence change replaces arginine, which is basic and polar, with histidine, which is basic and polar, at codon 437 of the PEPD protein (p.Arg437His). The frequency data for this variant in the population databases is considered unreliable, as metrics indicate poor data quality at this position in the gnomAD database. This missense change has been observed in individual(s) with Parkinson disease (PMID: 26362251). ClinVar contains an entry for this variant (Variation ID: 1426531). Algorithms developed to predict the effect of missense changes on protein structure and function output the following: SIFT: "Tolerated"; PolyPhen-2: "Benign"; Align-GVGD: "Class C0". The histidine amino acid residue is found in multiple mammalian species, which suggests that this missense change does not adversely affect protein function. In summary, the available evidence is currently insufficient to determine the role of this variant in disease. Therefore, it has been classified as a Variant of Uncertain Significance.

Literature cited by the submitters: PubMed 26362251.

NM_000285.4(PEPD):c.1310G>A (p.Arg437His)

Gene: PEPD (peptidase D; minus strand). Cytogenetic location: 19q13.11.
Variant type: single nucleotide variant.
Coding change: c.1310G>A on transcript NM_000285.4 (MANE Select); coding-DNA position 1310, G replaced by A.
Protein change: p.Arg437His; replaces arginine 437 with histidine.
Molecular consequence: missense variant.
Genome position (GRCh38, 1-based): chr19:33,387,924, C>T on the plus strand (G>A on the coding strand, the complement: PEPD is on the minus strand). VCF-style: chr19-33387924-C-T. GRCh37 (hg19) VCF-style: chr19-33878830-C-T.
Other names: c.1187G>A, p.Arg396His (NM_001166056.2); c.1118G>A, p.Arg373His (NM_001166057.2); short protein forms R396H, R373H, R437H.
Identifiers: ClinVar variation 1426531 (VCV001426531.3), dbSNP rs373297406, ClinGen allele CA9363928.